The following is an entry in ClinVar:

ClinVar aggregate classification (germline): Likely benign. Review status: criteria provided, multiple submitters, no conflicts (2 of 4 stars). 4 submissions from 4 submitters: Likely benign (4). Last evaluated 2025-10-29.

Conditions:
Cardiovascular phenotype. Identifiers: MedGen CN230736.
Autosomal recessive limb-girdle muscular dystrophy type 2J (LGMDR10). Also called: MUSCULAR DYSTROPHY, LIMB-GIRDLE, AUTOSOMAL RECESSIVE 10; Limb-girdle muscular dystrophy, type 2J. Identifiers: Orphanet 140922, MedGen C1837342, MONDO:0012127, OMIM 608807.
Dilated cardiomyopathy 1G (CMD1G). Identifiers: Orphanet 154, MedGen C1858763, MONDO:0011400, OMIM 604145.
Hypertrophic cardiomyopathy 9. Also called: Familial hypertrophic cardiomyopathy 9. Identifiers: MedGen C1861065, MONDO:0013412, OMIM 613765.
Tibial muscular dystrophy (TMD). Also called: Udd Distal Myopathy – Tibial Muscular Dystrophy; Tibial muscular dystrophy, tardive; UDD MYOPATHY. Identifiers: Orphanet 609, MedGen C1838244, MONDO:0010870, OMIM 600334.
Early-onset myopathy with fatal cardiomyopathy (CMYO5). Also called: Salih Myopathy; CONGENITAL MYOPATHY 5 WITH CARDIOMYOPATHY. Identifiers: Orphanet 289377, MedGen C2673677, MONDO:0012714, OMIM 611705. Disease mechanism: loss of function.
Myopathy, myofibrillar, 9, with early respiratory failure (MFM9). Also called: MYOPATHY, PROXIMAL, WITH EARLY RESPIRATORY MUSCLE INVOLVEMENT; Myopathy, distal, with early respiratory failure, autosomal dominant; Hereditary myopathy with early respiratory failure; EDSTROM MYOPATHY. Identifiers: Orphanet 178464, Orphanet 34521, MedGen C1863599, MONDO:0011362, OMIM 603689.

Allele frequency attached by ClinVar (database versions not stated): gnomAD exomes 0.00001.
gnomAD v4.1: 21 of 1,612,996 alleles (0.0013%); highest among the groups gnomAD compares: Non-Finnish European, 0.0017%; no homozygotes.

Submissions (4):

Labcorp Genetics (formerly Invitae), Labcorp
Classification: Likely benign for Dilated cardiomyopathy 1G; Autosomal recessive limb-girdle muscular dystrophy type 2J. Last evaluated: 2025-10-29. Review status: criteria provided, single submitter. Criteria: Invitae Variant Classification Sherloc (09022015). Collection method: clinical testing. Allele origin: germline.

Fulgent Genetics
Classification: Likely benign for Tibial muscular dystrophy; Myopathy, myofibrillar, 9, with early respiratory failure; Dilated cardiomyopathy 1G; Autosomal recessive limb-girdle muscular dystrophy type 2J; Early-onset myopathy with fatal cardiomyopathy; Hypertrophic cardiomyopathy 9. Last evaluated: 2021-09-20. Review status: criteria provided, single submitter. Criteria: ACMG Guidelines, 2015. Collection method: clinical testing. Allele origin: unknown.

Ambry Genetics
Classification: Likely benign for Cardiovascular phenotype. Last evaluated: 2020-05-20. Review status: criteria provided, single submitter. Criteria: Ambry Variant Classification Scheme 2023. Collection method: clinical testing. Allele origin: germline.

GeneDx
Classification: Likely benign. Last evaluated: 2017-04-06. Review status: criteria provided, single submitter. Criteria: GeneDx Variant Classification (06012015). Collection method: clinical testing. Allele origin: germline. Affected: yes.
Comment: This variant is considered likely benign or benign based on one or more of the following criteria: it is a conservative change, it occurs at a poorly conserved position in the protein, it is predicted to be benign by multiple in silico algorithms, and/or has population frequency not consistent with disease.

NM_001267550.2(TTN):c.61098C>T (p.Cys20366=)

Genes: TTN (titin; minus strand), TTN-AS1 (TTN antisense RNA 1; plus strand). Cytogenetic location: 2q31.2.
Variant type: single nucleotide variant.
Coding change: c.61098C>T on transcript NM_001267550.2 (MANE Select); coding-DNA position 61098, C replaced by T.
Protein change: p.Cys20366=; no amino-acid change (cysteine 20366 retained).
Molecular consequence: synonymous variant.
Genome position (GRCh38, 1-based): chr2:178,590,627, G>A on the plus strand (C>T on the coding strand, the complement: TTN is on the minus strand). VCF-style: chr2-178590627-G-A. GRCh37 (hg19) VCF-style: chr2-179455354-G-A.
Other names: c.56175C>T, p.Cys18725= (NM_001256850.1); c.33903C>T, p.Cys11301= (NM_003319.4); c.53394C>T, p.Cys17798= (NM_133378.4); c.34278C>T, p.Cys11426= (NM_133432.3); c.34479C>T, p.Cys11493= (NM_133437.4).
Identifiers: ClinVar variation 508801 (VCV000508801.13), dbSNP rs755233818, ClinGen allele CA60968395.